The following is an entry in ClinVar:

NM_018082.6(POLR3B):c.2852C>G (p.Ala951Gly)

Genes: POLR3B (RNA polymerase III subunit B; plus strand), RFX4-AS1 (RFX4 antisense RNA 1; minus strand). Cytogenetic location: 12q23.3.
Variant type: single nucleotide variant.
Coding change: c.2852C>G on transcript NM_018082.6 (MANE Select); coding-DNA position 2852, C replaced by G.
Protein change: p.Ala951Gly; replaces alanine 951 with glycine.
Molecular consequence: missense variant.
Genome position (GRCh38, 1-based): chr12:106,496,786, C>G. VCF-style: chr12-106496786-C-G. GRCh37 (hg19) VCF-style: chr12-106890564-C-G.
Other names: c.2678C>G, p.Ala893Gly (NM_001160708.2); short protein forms A951G, A893G.
Identifiers: ClinVar variation 1367637 (VCV001367637.7), dbSNP rs1182297970, ClinGen allele CA386392809.

ClinVar aggregate classification (germline): Uncertain significance. Review status: criteria provided, multiple submitters, no conflicts (2 of 4 stars). 2 submissions from 2 submitters: Uncertain significance (2). Last evaluated 2023-12-18.

Allele frequency attached by ClinVar (database versions not stated): gnomAD exomes below 0.00001.
gnomAD v4.1: 3 of 1,614,056 alleles (0.00019%); highest among the groups gnomAD compares: Middle Eastern, 0.016%; no homozygotes.

Submissions (2):

GeneDx
Classification: Uncertain significance. Last evaluated: 2023-12-18. Review status: criteria provided, single submitter. Criteria: GeneDx Variant Classification Process June 2021. Collection method: clinical testing. Allele origin: germline. Affected: yes.
Comment: Not observed at significant frequency in large population cohorts (gnomAD); In silico analysis supports that this missense variant has a deleterious effect on protein structure/function; Has not been previously published as pathogenic or benign to our knowledge

Labcorp Genetics (formerly Invitae), Labcorp
Classification: Uncertain significance. Last evaluated: 2022-04-14. Review status: criteria provided, single submitter. Criteria: Invitae Variant Classification Sherloc (09022015). Collection method: clinical testing. Allele origin: germline.
Comment: Algorithms developed to predict the effect of missense changes on protein structure and function (SIFT, PolyPhen-2, Align-GVGD) all suggest that this variant is likely to be disruptive. This variant has not been reported in the literature in individuals affected with POLR3B-related conditions. This variant is present in population databases (no rsID available, gnomAD 0.003%). This sequence change replaces alanine, which is neutral and non-polar, with glycine, which is neutral and non-polar, at codon 951 of the POLR3B protein (p.Ala951Gly). In summary, the available evidence is currently insufficient to determine the role of this variant in disease. Therefore, it has been classified as a Variant of Uncertain Significance.